The following is an entry in ClinVar:

ClinVar aggregate classification (germline): Benign/Likely benign. Review status: criteria provided, multiple submitters, no conflicts (2 of 4 stars). 8 submissions from 8 submitters: Benign (1); Likely benign (7). Last evaluated 2026-01-28.

Conditions:
Early-onset Parkinson disease 20. Also called: PARKINSON DISEASE 20, AUTOSOMAL RECESSIVE EARLY-ONSET. Identifiers: Orphanet 391411, MedGen C3809824, MONDO:0014233, OMIM 615530.
Developmental and epileptic encephalopathy, 53. Also called: Epileptic encephalopathy, early infantile, 53. Identifiers: MedGen C4479313, MONDO:0033362, OMIM 617389.

Allele frequency attached by ClinVar (database versions not stated): gnomAD exomes 0.00114; ExAC 0.00138; gnomAD 0.00414 and 0.00441; ESP Exome Variant Server 0.00484; TOPMed 0.00488; 1000 Genomes Project 0.00519; 1000 Genomes Project 30x 0.00578.
gnomAD v4.1: 1,218 of 1,614,100 alleles (0.075%); highest among the groups gnomAD compares: African/African-American, 1.4%; 8 homozygotes.

Submissions (8):

Labcorp Genetics (formerly Invitae), Labcorp
Classification: Benign for Developmental and epileptic encephalopathy, 53; Early-onset Parkinson disease 20. Last evaluated: 2026-01-28. Review status: criteria provided, single submitter. Criteria: Invitae Variant Classification Sherloc (09022015). Collection method: clinical testing. Allele origin: germline.

CeGaT Center for Human Genetics Tuebingen
Classification: Likely benign. Last evaluated: 2025-09-01. Review status: criteria provided, single submitter. Criteria: CeGaT Center For Human Genetics Tuebingen Variant Classification Criteria Version 2. Collection method: clinical testing. Allele origin: germline. Affected: yes. Observed: 3 variant alleles.
Comment: SYNJ1: BS1

Mayo Clinic Laboratories, Mayo Clinic
Classification: Likely benign. Last evaluated: 2025-08-14. Review status: criteria provided, single submitter. Criteria: ACMG Guidelines, 2015. Collection method: clinical testing. Allele origin: germline. Observed: 1 variant allele.
Comment: BA1, BS2, PP3

Blueprint Genetics
Classification: Likely benign. Last evaluated: 2024-11-28. Review status: criteria provided, single submitter. Criteria: ACMG Guidelines, 2015. Collection method: clinical testing. Allele origin: germline.

ARUP Laboratories, Molecular Genetics and Genomics, ARUP Laboratories
Classification: Likely benign. Last evaluated: 2024-10-11. Review status: criteria provided, single submitter. Criteria: ARUP Molecular Germline Variant Investigation Process 2024. Collection method: clinical testing. Allele origin: germline.

GeneDx
Classification: Likely benign. Last evaluated: 2021-09-06. Review status: criteria provided, single submitter. Criteria: GeneDx Variant Classification Process June 2021. Collection method: clinical testing. Allele origin: germline. Affected: yes.

Athena Diagnostics
Classification: Likely benign. Last evaluated: 2018-06-01. Review status: criteria provided, single submitter. Criteria: Athena Diagnostics Criteria. Collection method: clinical testing. Allele origin: germline.

Center for Pediatric Genomic Medicine, Children's Mercy Hospital and Clinics
Classification: Likely benign. Last evaluated: 2017-06-12. Review status: criteria provided, single submitter. Criteria: ACMG Guidelines, 2015. Collection method: clinical testing. Allele origin: germline.

NM_203446.3(SYNJ1):c.43C>T (p.Pro15Ser)

Gene: SYNJ1 (synaptojanin 1; minus strand). Cytogenetic location: 21q22.11.
Variant type: single nucleotide variant.
Coding change: c.43C>T on transcript NM_203446.3 (MANE Select); coding-DNA position 43, C replaced by T.
Protein change: p.Pro15Ser; replaces proline 15 with serine.
Molecular consequence: missense variant.
Genome position (GRCh38, 1-based): chr21:32,726,853, G>A on the plus strand (C>T on the coding strand, the complement: SYNJ1 is on the minus strand). VCF-style: chr21-32726853-G-A. GRCh37 (hg19) VCF-style: chr21-34099164-G-A.
Other names: p.Pro54Ser; c.43C>T, p.Pro15Ser (NM_001160302.2, NM_001160306.2); c.160C>T, p.Pro54Ser (NM_003895.4); short protein forms P54S, P15S.
Identifiers: ClinVar variation 445927 (VCV000445927.41), dbSNP rs61755328, ClinGen allele CA10004225.